The following is an entry in ClinVar:

NM_000235.4(LIPA):c.675+2T>G

Gene: LIPA (lipase A, lysosomal acid type; minus strand). Cytogenetic location: 10q23.31.
Variant type: single nucleotide variant.
Coding change: c.675+2T>G on transcript NM_000235.4 (MANE Select); the canonical splice donor site of the intron after coding-DNA position 675, T replaced by G.
Molecular consequence: splice donor variant.
Genome position (GRCh38, 1-based): chr10:89,225,090, A>C on the plus strand (T>G on the coding strand, the complement: LIPA is on the minus strand). VCF-style: chr10-89225090-A-C. GRCh37 (hg19) VCF-style: chr10-90984847-A-C.
Other names: c.675+2T>G (NM_000235.3, NM_001127605.3); c.327+2T>G (NM_001288979.2).
Identifiers: ClinVar variation 1517478 (VCV001517478.10), dbSNP rs1564753490, ClinGen allele CA377517140.

ClinVar aggregate classification (germline): Likely pathogenic. Review status: criteria provided, multiple submitters, no conflicts (2 of 4 stars). 3 submissions from 3 submitters: Likely pathogenic (3). Last evaluated 2025-04-21.

Conditions:
Wolman disease (WOLD). Also called: LYSOSOMAL ACID LIPASE DEFICIENCY, ACUTE INFANTILE; LYSOSOMAL ACID LIPASE DEFICIENCY, COMPLETE; LIPA DEFICIENCY, COMPLETE; LAL DEFICIENCY, COMPLETE; CHOLESTEROL ESTER HYDROLASE DEFICIENCY, COMPLETE; Acid cholesteryl ester hydrolase deficiency, Wolman type. Identifiers: Orphanet 75233, MedGen C0043208, MONDO:0019148, OMIM 620151.
Cholesteryl ester storage disease (CESD). Also called: Childhood/Adult-Onset LAL-D (Cholesterol Ester Storage Disease [CESD]). Identifiers: Orphanet 75234, MedGen C0008384, MONDO:0019149, OMIM 278000.
Lysosomal acid lipase deficiency. Also called: Acid cholesteryl ester hydrolase deficiency, type 2. Identifiers: Orphanet 275761, MedGen C5574740, MONDO:0800449, MONDO:0010204.

Allele frequency attached by ClinVar (database versions not stated): gnomAD exomes 0.00001 and below 0.00001; TOPMed 0.00001; gnomAD 0.00001.
gnomAD v4.1: 13 of 1,613,808 alleles (0.00081%); highest among the groups gnomAD compares: Non-Finnish European, 0.0011%; no homozygotes.

Submissions (3):

Natera, Inc.
Classification: Likely pathogenic for Lysosomal acid lipase deficiency. Last evaluated: 2025-04-21. Review status: criteria provided, single submitter. Criteria: Natera Variant Classification Schema (03/2026). Collection method: clinical testing. Allele origin: germline.
Comment: The c.675+2T>G variant in LIPA is a canonical splice donor site variant predicted to affect pre-mRNA splicing, which may result in an abnormal transcript and altered protein product. This variant is expected to result in nonsense mediated decay, truncation, or a dysfunctional protein product. This variant is rare in the general population with a frequency below the threshold expected for the associated phenotype(s). Given the available evidence, this variant is classified as Likely Pathogenic.

Fulgent Genetics
Classification: Likely pathogenic for Cholesteryl ester storage disease; Wolman disease. Last evaluated: 2024-02-17. Review status: criteria provided, single submitter. Criteria: ACMG Guidelines, 2015. Collection method: clinical testing. Allele origin: germline.

Labcorp Genetics (formerly Invitae), Labcorp
Classification: Likely pathogenic for Wolman disease. Last evaluated: 2023-04-20. Review status: criteria provided, single submitter. Criteria: Invitae Variant Classification Sherloc (09022015). Collection method: clinical testing. Allele origin: germline.
Comment: In summary, the currently available evidence indicates that the variant is pathogenic, but additional data are needed to prove that conclusively. Therefore, this variant has been classified as Likely Pathogenic. Algorithms developed to predict the effect of sequence changes on RNA splicing suggest that this variant may disrupt the consensus splice site. ClinVar contains an entry for this variant (Variation ID: 1517478). This variant has not been reported in the literature in individuals affected with LIPA-related conditions. This variant is not present in population databases (gnomAD no frequency). This sequence change affects a donor splice site in intron 6 of the LIPA gene. It is expected to disrupt RNA splicing. Variants that disrupt the donor or acceptor splice site typically lead to a loss of protein function (PMID: 16199547), and loss-of-function variants in LIPA are known to be pathogenic (PMID: 23485521).

Literature cited by the submitters: PubMed 16199547 (cited by Labcorp Genetics (formerly Invitae), Labcorp); PubMed 23485521 (cited by Labcorp Genetics (formerly Invitae), Labcorp).